The following is an entry in ClinVar:

ClinVar aggregate classification (germline): Pathogenic (1 of 4 stars; one submission).

Conditions:
Syndromic multisystem autoimmune disease due to ITCH deficiency. Also called: AUTOIMMUNE DISEASE, MULTISYSTEM, WITH FACIAL DYSMORPHISM. Identifiers: Orphanet 228426, MedGen C3150649, MONDO:0013245, OMIM 613385.

Submission:

Labcorp Genetics (formerly Invitae), Labcorp
Classification: Pathogenic for Syndromic multisystem autoimmune disease due to ITCH deficiency. Last evaluated: 2023-12-25. Review status: criteria provided, single submitter. Criteria: Invitae Variant Classification Sherloc (09022015). Collection method: clinical testing. Allele origin: unknown.
Comment: This variant is a gross deletion of the genomic region encompassing exon(s) 3 of the ITCH gene, which includes the initiator codon. This deletion extends beyond the assayed region for this gene and therefore may encompass additional genes. It is expected to result in an absent or disrupted protein product. Loss-of-function variants in ITCH are known to be pathogenic (PMID: 20170897). This variant has not been reported in the literature in individuals affected with ITCH-related conditions. For these reasons, this variant has been classified as Pathogenic.

Literature cited by the submitters: PubMed 20170897.

NC_000020.10:g.(?_32981618)_(32981707_?)del

Gene: ITCH (itchy E3 ubiquitin protein ligase; plus strand). Cytogenetic location: 20q11.22.
Variant type: Deletion.
Identifiers: ClinVar variation 3248293 (VCV003248293.1).